The following is an entry in ClinVar:

Conditions:
Long QT syndrome 5 (LQT5). Identifiers: Orphanet 101016, Orphanet 768, MedGen C1867904, MONDO:0013372, OMIM 613695.

Submission:

Roden Lab, Vanderbilt University Medical Center
No classification provided (evidence only). Condition: Long QT syndrome 5. Review status: no classification provided. Collection method: in vitro. Allele origin: not applicable. Functional consequence: Effect on ion channel function.
ClinVar note: "not provided" was previously submitted as the classification for the variant. However, the classification appeared to be based only on an observation of functional data so it was converted to no classification on 2025-07-30.

NM_000219.6(KCNE1):c.197T>C (p.Ile66Thr)

Gene: KCNE1 (potassium voltage-gated channel subfamily E regulatory subunit 1; minus strand). Cytogenetic location: 21q22.12.
Variant type: single nucleotide variant.
Coding change: c.197T>C on transcript NM_000219.6 (MANE Select); coding-DNA position 197, T replaced by C.
Protein change: p.Ile66Thr; replaces isoleucine 66 with threonine.
Molecular consequence: missense variant.
Genome position (GRCh38, 1-based): chr21:34,449,438, A>G on the plus strand (T>C on the coding strand, the complement: KCNE1 is on the minus strand). VCF-style: chr21-34449438-A-G. GRCh37 (hg19) VCF-style: chr21-35821736-A-G.
Other names: c.197T>C, p.Ile66Thr (NM_001127668.4, NM_001127669.4, NM_001127670.4 and 4 more transcripts); short protein forms I66T.
Identifiers: ClinVar variation 3374306 (VCV003374306.2).
Genomic context (GRCh38, chr21:34,449,438, plus strand): 5'-GCATCGGACTCGATGTAGACGTTGAATGGGTCGTTCGAGTGCTCCAGCTTCTTGGAGCGG[A>G]TGTAGCTCAGCATGATGCCCAGGGTGAAGAAGCCGAAGAATCCCAGTACCATGAGGACGT-3'
Protein context (NP_000210.2, residues 56-76): FFTLGIMLSY[Ile66Thr]RSKKLEHSND